The following is an entry in ClinVar:

ClinVar aggregate classification (germline): Uncertain significance (1 of 4 stars; one submission).

Conditions:
Ataxia-telangiectasia-like disorder (ATLD). Identifiers: MedGen C1858391, MONDO:0011457.

Submission:

Labcorp Genetics (formerly Invitae), Labcorp
Classification: Uncertain significance for Ataxia-telangiectasia-like disorder. Last evaluated: 2022-07-23. Review status: criteria provided, single submitter. Criteria: Invitae Variant Classification Sherloc (09022015). Collection method: clinical testing. Allele origin: germline.
Comment: This sequence change replaces arginine, which is basic and polar, with lysine, which is basic and polar, at codon 32 of the MRE11 protein (p.Arg32Lys). This variant is not present in population databases (gnomAD no frequency). This variant has not been reported in the literature in individuals affected with MRE11-related conditions. Algorithms developed to predict the effect of missense changes on protein structure and function are either unavailable or do not agree on the potential impact of this missense change (SIFT: "Tolerated"; PolyPhen-2: "Probably Damaging"; Align-GVGD: "Class C0"). In summary, the available evidence is currently insufficient to determine the role of this variant in disease. Therefore, it has been classified as a Variant of Uncertain Significance.

NM_005591.4(MRE11):c.95G>A (p.Arg32Lys)

Gene: MRE11 (MRE11 homolog, double strand break repair nuclease; minus strand). Cytogenetic location: 11q21.
Variant type: single nucleotide variant.
Coding change: c.95G>A on transcript NM_005591.4 (MANE Select); coding-DNA position 95, G replaced by A.
Protein change: p.Arg32Lys; replaces arginine 32 with lysine.
Molecular consequence: missense variant.
Genome position (GRCh38, 1-based): chr11:94,490,891, C>T on the plus strand (G>A on the coding strand, the complement: MRE11 is on the minus strand). VCF-style: chr11-94490891-C-T. GRCh37 (hg19) VCF-style: chr11-94224057-C-T.
Other names: c.95G>A, p.Arg32Lys (NM_001330347.2, NM_005590.4); short protein forms R32K.
Identifiers: ClinVar variation 2019069 (VCV002019069.1), dbSNP rs2496653045, ClinGen allele CA382380780.